The following continues an entry in ClinVar:

NM_007294.4(BRCA1):c.1480C>T (p.Gln494Ter)

Gene: BRCA1. ClinVar aggregate classification (germline): Pathogenic. Pathogenic (1).

Submissions 12 to 20 of 20:

Laboratory for Molecular Medicine, Mass General Brigham Personalized Medicine
Classification: Pathogenic for Hereditary breast ovarian cancer syndrome. Last evaluated: 2017-01-11. Review status: criteria provided, single submitter. Criteria: LMM Criteria. Collection method: clinical testing. Allele origin: germline. Inheritance: Autosomal dominant inheritance. Observed: 2 variant alleles. Not counted in ClinVar's aggregate classification.
Comment: The p.Gln494X variant in BRCA1 has been identified in >5 individuals with BRCA1- associated cancers (Peyrat 1998, Kim 2012, Breast Cancer Information Core (BIC) database) and was absent from large population studies. This nonsense variant le ads to a premature termination codon at position 494, which is predicted to lead to a truncated or absent protein. Heterozygous loss of function of the BRCA1 ge ne is an established disease mechanism in hereditary breast and ovarian cancer ( HBOC). Furthermore, this variant was classified as Pathogenic on Sept 8, 2016 by the ClinGen-approved ENIGMA Expert Panel (ClinVar SCV000299605.2). In summary, this variant meets criteria to be classified as pathogenic for HBOC in an autoso mal dominant manner.

Consortium of Investigators of Modifiers of BRCA1/2 (CIMBA), c/o University of Cambridge
Classification: Pathogenic for Breast-ovarian cancer, familial, susceptibility to, 1. Last evaluated: 2015-10-02. Review status: criteria provided, single submitter. Criteria: CIMBA Mutation Classification guidelines May 2016. Collection method: clinical testing. Allele origin: germline. Not counted in ClinVar's aggregate classification.

Quest Diagnostics Nichols Institute San Juan Capistrano
Classification: Pathogenic for Breast-ovarian cancer, familial, susceptibility to, 1. Last evaluated: 2015-05-01. Review status: criteria provided, single submitter. Criteria: Quest Diagnostics criteria. Collection method: clinical testing. Allele origin: germline. Inheritance: Autosomal dominant inheritance. Not counted in ClinVar's aggregate classification.

Molecular Genetics Laboratory, University of Michigan
Classification: Pathogenic for Breast-ovarian cancer, familial, susceptibility to, 1. Last evaluated: 2014-11-03. Review status: criteria provided, single submitter. Criteria: ACMG Guidelines, 2015. Collection method: clinical testing. Allele origin: germline. Affected: yes. Not counted in ClinVar's aggregate classification.

Genesis Genomics
Classification: Pathogenic for Breast-ovarian cancer, familial, susceptibility to, 1. Review status: criteria provided, single submitter. Criteria: ACMG Guidelines, 2015. Collection method: clinical testing. Allele origin: germline. Affected: yes. Observed: 1 variant allele. Not counted in ClinVar's aggregate classification.

Counsyl
Classification: Pathogenic for Breast-ovarian cancer, familial, susceptibility to, 1. Last evaluated: 2015-12-10. Review status: no assertion criteria provided. Collection method: clinical testing. Allele origin: unknown. Not counted in ClinVar's aggregate classification.

Research Molecular Genetics Laboratory, Women's College Hospital, University of Toronto
Classification: Pathogenic for Hereditary breast ovarian cancer syndrome. Last evaluated: 2014-01-31. Review status: no assertion criteria provided. Collection method: research. Allele origin: germline. Affected: yes. Study: The Canadian Open Genetics Repository (COGR). Not counted in ClinVar's aggregate classification.

Sharing Clinical Reports Project (SCRP)
Classification: Pathogenic for Breast-ovarian cancer, familial 1. Last evaluated: 2011-07-19. Review status: no assertion criteria provided. Collection method: clinical testing. Allele origin: germline. Not counted in ClinVar's aggregate classification.

Breast Cancer Information Core (BIC) (BRCA1)
Classification: Pathogenic for Breast-ovarian cancer, familial 1. Last evaluated: 2002-05-29. Review status: no assertion criteria provided. Collection method: clinical testing. Allele origin: germline. Affected: yes. Observed: 5 variant alleles. Not counted in ClinVar's aggregate classification.

Literature cited by the submitters: PubMed 10866029 (cited by 5 submitters); PubMed 22798144 (cited by 6 submitters); PubMed 25863477 (cited by 3 submitters); PubMed 28205045 (cited by 3 submitters); PubMed 30430080 (cited by Ambry Genetics); PubMed 20104584 (cited by Labcorp Genetics (formerly Invitae), Labcorp); PubMed 25066507 (cited by 3 submitters); PubMed 26187060 (cited by Labcorp Genetics (formerly Invitae), Labcorp and Color Diagnostics, LLC DBA Color Health); PubMed 25256924 (cited by Color Diagnostics, LLC DBA Color Health); PubMed 31853058 (cited by Color Diagnostics, LLC DBA Color Health); PubMed 33471991 (cited by Color Diagnostics, LLC DBA Color Health); PubMed 16267036 (cited by Women's Health and Genetics/Laboratory Corporation of America, LabCorp and Quest Diagnostics Nichols Institute San Juan Capistrano); PubMed 22762150 (cited by Women's Health and Genetics/Laboratory Corporation of America, LabCorp); PubMed 29446198 (cited by Women's Health and Genetics/Laboratory Corporation of America, LabCorp); PubMed 26295337 (cited by Quest Diagnostics Nichols Institute San Juan Capistrano).